The following is an entry in ClinVar:

NM_001365276.2(TNXB):c.6895G>C (p.Glu2299Gln)

Gene: TNXB (tenascin XB; minus strand). Cytogenetic location: 6p21.33.
Variant type: single nucleotide variant.
Coding change: c.6895G>C on transcript NM_001365276.2 (MANE Select); coding-DNA position 6895, G replaced by C.
Protein change: p.Glu2299Gln; replaces glutamic acid 2299 with glutamine.
Molecular consequence: missense variant.
Genome position (GRCh38, 1-based): chr6:32,062,430, C>G on the plus strand (G>C on the coding strand, the complement: TNXB is on the minus strand). VCF-style: chr6-32062430-C-G. GRCh37 (hg19) VCF-style: chr6-32030207-C-G.
Other names: c.6895G>C, p.Glu2299Gln (NM_019105.8); short protein forms E2299Q.
Identifiers: ClinVar variation 1756012 (VCV001756012.2), dbSNP rs369735650, ClinGen allele CA3734306.
Genomic context (GRCh38, chr6:32,062,430, plus strand): 5'-GGGAGTCAGGGGTCGCATCTGTCACGGTCAGCTCCTCCAGGCGAGGCTTGATGGGGGGTT[C>G]AGGGGTGGGAGGTTCTGTCGAGGCTGGGGCCATTTCTTCATCCTTTCCTGGGGCTGCATC-3'
Protein context (NP_001352205.1, residues 2289-2309): APASTEPPTP[Glu2299Gln]PPIKPRLEEL

ClinVar aggregate classification (germline): Uncertain significance (1 of 4 stars; one submission).

Conditions:
Cardiovascular phenotype. Identifiers: MedGen CN230736.

Allele frequency attached by ClinVar (database versions not stated): ExAC 0.00001; gnomAD 0.00002; TOPMed 0.00002; ESP Exome Variant Server 0.00013.
gnomAD v4.1: 3 of 1,612,438 alleles (0.00019%); highest among the groups gnomAD compares: African/African-American, 0.004%; no homozygotes.

Submission:

Ambry Genetics
Classification: Uncertain significance for Cardiovascular phenotype. Last evaluated: 2021-06-12. Review status: criteria provided, single submitter. Criteria: Ambry Variant Classification Scheme 2023. Collection method: clinical testing. Allele origin: germline.
Comment: The p.E2299Q variant (also known as c.6895G>C), located in coding exon 19 of the TNXB gene, results from a G to C substitution at nucleotide position 6895. The glutamic acid at codon 2299 is replaced by glutamine, an amino acid with highly similar properties. This amino acid position is conserved. In addition, this alteration is predicted to be tolerated by in silico analysis. Since supporting evidence is limited at this time, the clinical significance of this alteration remains unclear.